The following is an entry in ClinVar:

NM_080732.4(EGLN2):c.1169C>G (p.Ala390Gly)

Genes: EGLN2 (egl-9 family hypoxia inducible factor 2; plus strand), RAB4B-EGLN2 (RAB4B-EGLN2 readthrough (NMD candidate); plus strand). Cytogenetic location: 19q13.2.
Variant type: single nucleotide variant.
Coding change: c.1169C>G on transcript NM_080732.4 (MANE Select); coding-DNA position 1169, C replaced by G.
Protein change: p.Ala390Gly; replaces alanine 390 with glycine.
Molecular consequence: missense variant. On other transcripts: non-coding transcript variant (1).
Genome position (GRCh38, 1-based): chr19:40,807,809, C>G. VCF-style: chr19-40807809-C-G. GRCh37 (hg19) VCF-style: chr19-41313714-C-G.
Other names: c.1169C>G, p.Ala390Gly (NM_053046.4); short protein forms A390G.
Identifiers: ClinVar variation 1738955 (VCV001738955.3), dbSNP rs756595762, ClinGen allele CA9452487.

ClinVar aggregate classification (germline): Uncertain significance (1 of 4 stars; one submission).

Allele frequency attached by ClinVar (database versions not stated): gnomAD 0.00001; gnomAD exomes 0.00003; ExAC 0.00005.
gnomAD v4.1: 19 of 1,614,032 alleles (0.0012%); highest among the groups gnomAD compares: Non-Finnish European, 0.00025%; no homozygotes.

Submission:

Ambry Genetics
Classification: Uncertain significance. Last evaluated: 2024-07-21. Review status: criteria provided, single submitter. Criteria: Ambry Variant Classification Scheme 2023. Collection method: clinical testing. Allele origin: germline.
Comment: The p.A390G variant (also known as c.1169C>G) is located in coding exon 5 of the EGLN2 gene. The alanine at codon 390 is replaced by glycine, an amino acid with similar properties. This change occurs in the first base pair of coding exon 5. This amino acid position is conserved. In addition, this alteration is predicted to be tolerated by in silico analysis. Since supporting evidence is limited at this time, the clinical significance of this alteration remains unclear.